The following is an entry in ClinVar:

NM_022114.4(PRDM16):c.2260G>A (p.Glu754Lys)

Gene: PRDM16 (PR/SET domain 16; plus strand). Cytogenetic location: 1p36.32.
Variant type: single nucleotide variant.
Coding change: c.2260G>A on transcript NM_022114.4 (MANE Select); coding-DNA position 2260, G replaced by A.
Protein change: p.Glu754Lys; replaces glutamic acid 754 with lysine.
Molecular consequence: missense variant.
Genome position (GRCh38, 1-based): chr1:3,412,457, G>A. VCF-style: chr1-3412457-G-A. GRCh37 (hg19) VCF-style: chr1-3329021-G-A.
Other names: c.2260G>A, p.Glu754Lys (NM_199454.3); short protein forms E754K.
Identifiers: ClinVar variation 474418 (VCV000474418.13), dbSNP rs369599647, ClinGen allele CA544427.
Genomic context (GRCh38, chr1:3,412,457, plus strand): 5'-CCCCACTCCCTTTACCCCTTCACGGACCGAGCCCTCGCCCACAACTTGCTGGTCAAGGCC[G>A]AGCCAAAGTCACCCCGGGACGCCCTCAAGGTGGGCGGCCCCAGTGCCGAGTGCCCCTTTG-3'
Protein context (NP_071397.3, residues 744-764): ALAHNLLVKA[Glu754Lys]PKSPRDALKV

ClinVar aggregate classification (germline): Conflicting classifications of pathogenicity. Review status: criteria provided, conflicting classifications (1 of 4 stars). 3 submissions from 3 submitters: Uncertain significance (2); Likely benign (1). Last evaluated 2025-10-15.

Conditions:
Left ventricular noncompaction 8 (LVNC8). Identifiers: Orphanet 154, Orphanet 54260, MedGen C3809288, MONDO:0014152, OMIM 615373.

Allele frequency attached by ClinVar (database versions not stated): gnomAD 0.00003 and 0.00004; ESP Exome Variant Server 0.00016; ExAC 0.00004; TOPMed 0.00005.
gnomAD v4.1: 173 of 1,612,754 alleles (0.011%); highest among the groups gnomAD compares: Non-Finnish European, 0.013%; no homozygotes.

Submissions (3):

Labcorp Genetics (formerly Invitae), Labcorp
Classification: Uncertain significance for Left ventricular noncompaction 8. Last evaluated: 2025-10-15. Review status: criteria provided, single submitter. Criteria: Invitae Variant Classification Sherloc (09022015). Collection method: clinical testing. Allele origin: germline.
Comment: This sequence change replaces glutamic acid, which is acidic and polar, with lysine, which is basic and polar, at codon 754 of the PRDM16 protein (p.Glu754Lys). This variant is present in population databases (rs369599647, gnomAD 0.006%). This missense change has been observed in individual(s) with dilated cardiomyopathy (PMID: 31983221). ClinVar contains an entry for this variant (Variation ID: 474418). An algorithm developed to predict the effect of missense changes on protein structure and function (PolyPhen-2) suggests that this variant is likely to be disruptive. In summary, the available evidence is currently insufficient to determine the role of this variant in disease. Therefore, it has been classified as a Variant of Uncertain Significance.

GeneDx
Classification: Uncertain significance. Last evaluated: 2025-04-07. Review status: criteria provided, single submitter. Criteria: GeneDx Variant Classification Process June 2021. Collection method: clinical testing. Allele origin: germline. Affected: yes.
Comment: In silico analysis indicates that this missense variant does not alter protein structure/function; This variant is associated with the following publications: (PMID: 31983221)

Blueprint Genetics
Classification: Likely benign. Last evaluated: 2020-09-24. Review status: criteria provided, single submitter. Criteria: ACMG Guidelines, 2015. Collection method: clinical testing. Allele origin: germline.

Literature cited by the submitters: PubMed 31983221 (cited by Labcorp Genetics (formerly Invitae), Labcorp).